The following is an entry in ClinVar:

ClinVar aggregate classification (germline): Uncertain significance (1 of 4 stars; one submission).

Submission:

GeneDx
Classification: Uncertain significance. Last evaluated: 2025-03-24. Review status: criteria provided, single submitter. Criteria: GeneDx Variant Classification Process June 2021. Collection method: clinical testing. Allele origin: germline. Affected: yes.
Comment: Not observed at significant frequency in large population cohorts (gnomAD); Frameshift variant predicted to result in abnormal protein length as the last 42 amino acid(s) are replaced with 71 different amino acid(s); Has not been previously published as pathogenic or benign to our knowledge

NM_012452.3(TNFRSF13B):c.754del (p.Asp252fs)

Gene: TNFRSF13B (TNF receptor superfamily member 13B; minus strand). Cytogenetic location: 17p11.2.
Variant type: Deletion.
Coding change: c.754del on transcript NM_012452.3 (MANE Select); coding-DNA position 754, one base deleted (G; older notation c.754delG).
Protein change: p.Asp252fs; shifts the reading frame from aspartic acid 252.
Molecular consequence: frameshift variant.
Genome position (GRCh38, 1-based): chr17:16,939,675, C deleted on the plus strand (G on the coding strand, the reverse complement: TNFRSF13B is on the minus strand). VCF-style (leftmost placement, unchanged base first): chr17-16939674-TC-T. GRCh37 (hg19) VCF-style: chr17-16842988-TC-T.
Other names: c.754delG, p.Asp252Thrfs (NM_012452.2); short protein forms D252fs.
Identifiers: ClinVar variation 4088261 (VCV004088261.1).